The following is an entry in ClinVar:

NM_001009944.3(PKD1):c.6559T>G (p.Trp2187Gly)

Gene: PKD1 (polycystin 1, transient receptor potential channel interacting; minus strand). Cytogenetic location: 16p13.3.
Variant type: single nucleotide variant.
Coding change: c.6559T>G on transcript NM_001009944.3 (MANE Select); coding-DNA position 6559, T replaced by G.
Protein change: p.Trp2187Gly; replaces tryptophan 2187 with glycine.
Molecular consequence: missense variant.
Genome position (GRCh38, 1-based): chr16:2,108,608, A>C on the plus strand (T>G on the coding strand, the complement: PKD1 is on the minus strand). VCF-style: chr16-2108608-A-C. GRCh37 (hg19) VCF-style: chr16-2158609-A-C.
Other names: c.6559T>G, p.Trp2187Gly (NM_000296.4); short protein forms W2187G.
Identifiers: ClinVar variation 4531564 (VCV004531564.1).
Genomic context (GRCh38, chr16:2,108,608, plus strand): 5'-GCAGGGCCACACGCGCTGGGCGCCCCGGCCGCTGGCAGCTGGCGGTGCGATACACCTCCC[A>C]GCGGTACTCAGTCTGGTAGGTGACGCAGTCGCGCAGGTCAACGTGGGCCTCCAAGTAGTT-3'
Protein context (NP_001009944.3, residues 2177-2197): DCVTYQTEYR[Trp2187Gly]EVYRTASCQR

ClinVar aggregate classification (germline): Uncertain significance (1 of 4 stars; one submission).

Conditions:
Polycystic kidney disease, adult type (PKD1). Also called: Polycystic Kidney, Autosomal Dominant; POLYCYSTIC KIDNEY DISEASE, ADULT, TYPE I; Polycystic Kidney Disease 1, Autosomal Dominant; Polycystic kidney disease 1; Polycystic kidney disease 1, severe; POLYCYSTIC KIDNEY DISEASE 1 WITH OR WITHOUT POLYCYSTIC LIVER DISEASE. Identifiers: MedGen C3149841, MONDO:0008263, OMIM 173900.

Submission:

Victorian Clinical Genetics Services, Murdoch Childrens Research Institute
Classification: Uncertain significance for Polycystic kidney disease, adult type. Last evaluated: 2025-08-29. Review status: criteria provided, single submitter. Criteria: ACMG Guidelines, 2015. Collection method: clinical testing. Allele origin: germline. Affected: yes.
Comment: This variant is classified as VUS-3A. Evidence in support of pathogenic classification: Variant is absent from gnomAD (v2, v3 and v4); Another missense variant comparable to the one identified in this case has limited previous evidence for pathogenicity. p.(Trp2187Arg) has been classified as likely pathogenic in the ADPKD Variant Database, and has been reported in the literature in an individual with ADPKD (PMID: 22508176). In addition, p.(Trp2187Cys) has been classified as VUS by clinical laboratories in ClinVar; Missense variant predicted to be damaging by in silico tool(s) or highly conserved with a major amino acid change. Additional information: Variant is predicted to result in a missense amino acid change from Trp to Gly; This variant is heterozygous; This gene is associated with autosomal dominant disease. Polycystic kidney disease 1 (MIM#173900) is predominantly caused by monoallelic variants, with rare reports of biallelic variants causing disease (OMIM); This variant has no previous evidence of pathogenicity; No published evidence of segregation with disease has been identified for this variant; No published functional evidence has been identified for this variant; Variant is located in the annotated REJ domain (DECIPHER); Loss of function is a known mechanism of disease in this gene and is associated with polycystic kidney disease 1 (MIM#173900); Inheritance information for this variant is not currently available in this individual.

Literature cited by the submitters: PubMed 22508176.